The following is an entry in ClinVar:

NM_001330078.2(NRXN1):c.2317G>A (p.Ala773Thr)

Gene: NRXN1 (neurexin 1; minus strand). Cytogenetic location: 2p16.3.
Variant type: single nucleotide variant.
Coding change: c.2317G>A on transcript NM_001330078.2 (MANE Select); coding-DNA position 2317, G replaced by A.
Protein change: p.Ala773Thr; replaces alanine 773 with threonine.
Molecular consequence: missense variant.
Genome position (GRCh38, 1-based): chr2:50,531,257, C>T on the plus strand (G>A on the coding strand, the complement: NRXN1 is on the minus strand). VCF-style: chr2-50531257-C-T. GRCh37 (hg19) VCF-style: chr2-50758395-C-T.
Other names: p.A813T:GCA>ACA; c.2437G>A, p.Ala813Thr (NM_001135659.3); c.2293G>A, p.Ala765Thr (NM_001330077.2, NM_001330082.2, NM_001330095.2); c.2278G>A, p.Ala760Thr (NM_001330083.2, NM_001330084.2); c.2317G>A, p.Ala773Thr (NM_001330085.2, NM_001330086.2, NM_004801.6); c.2233G>A, p.Ala745Thr (NM_001330087.2, NM_001330096.2); c.2263G>A, p.Ala755Thr (NM_001330088.2); c.2314G>A, p.Ala772Thr (NM_001330093.2); and 1 more; short protein forms A813T, A769T, A773T, A745T, A760T, A765T, A755T, A772T.
Identifiers: ClinVar variation 206234 (VCV000206234.12), dbSNP rs199548487, ClinGen allele CA316117.
Genomic context (GRCh38, chr2:50,531,257, plus strand): 5'-TTAGTTCAATGGGGGAAGGCAGGTTGTTACCTAGATTGACCGTCAGTTTCACACGTCCTG[C>T]GTCTAGCTCCAGGCGGAGGGTGTCAGCAGAGTCTCTAGAAGTGGTTGCCATCAGAATGCC-3'
Protein context (NP_001317007.1, residues 763-783): SADTLRLELD[Ala773Thr]GRVKLTVNLD

ClinVar aggregate classification (germline): Conflicting classifications of pathogenicity. Review status: criteria provided, conflicting classifications (1 of 4 stars). 2 submissions from 2 submitters: Uncertain significance (1); Likely benign (1). Last evaluated 2025-06-14.

Conditions:
Pitt-Hopkins-like syndrome 2 (PTHSL2). Identifiers: Orphanet 221150, Orphanet 600663, MedGen C3280479, MONDO:0013690, OMIM 614325.

Allele frequency attached by ClinVar (database versions not stated): gnomAD 0.00001; TOPMed 0.00001.
gnomAD v4.1: 10 of 1,613,270 alleles (0.00062%); highest among the groups gnomAD compares: East Asian, 0.0022%; no homozygotes.

Submissions (2):

Labcorp Genetics (formerly Invitae), Labcorp
Classification: Uncertain significance for Pitt-Hopkins-like syndrome 2. Last evaluated: 2025-06-14. Review status: criteria provided, single submitter. Criteria: Invitae Variant Classification Sherloc (09022015). Collection method: clinical testing. Allele origin: germline.
Comment: This sequence change replaces alanine, which is neutral and non-polar, with threonine, which is neutral and polar, at codon 813 of the NRXN1 protein (p.Ala813Thr). This variant is present in population databases (rs199548487, gnomAD 0.007%). This variant has not been reported in the literature in individuals affected with NRXN1-related conditions. ClinVar contains an entry for this variant (Variation ID: 206234). An algorithm developed to predict the effect of missense changes on protein structure and function (PolyPhen-2) suggests that this variant is likely to be tolerated. In summary, the available evidence is currently insufficient to determine the role of this variant in disease. Therefore, it has been classified as a Variant of Uncertain Significance.

GeneDx
Classification: Likely benign. Last evaluated: 2021-09-23. Review status: criteria provided, single submitter. Criteria: GeneDx Variant Classification Process June 2021. Collection method: clinical testing. Allele origin: germline. Affected: yes.